The following is an entry in ClinVar:

ClinVar aggregate classification (germline): Likely benign (0 of 4 stars; one submission).

Conditions:
PLXNA4-related disorder. Also called: PLXNA4-related condition.

Allele frequency attached by ClinVar (database versions not stated): gnomAD exomes 0.00001; TOPMed 0.00001; gnomAD 0.00002; ExAC 0.00009.
gnomAD v4.1: 21 of 1,492,782 alleles (0.0014%); highest among the groups gnomAD compares: South Asian, 0.0054%; no homozygotes.

Submission:

PreventionGenetics, part of Exact Sciences
Classification: Likely benign for PLXNA4-related condition. Last evaluated: 2021-08-10. Review status: no assertion criteria provided. Collection method: clinical testing. Allele origin: germline.
Comment: This variant is classified as likely benign based on ACMG/AMP sequence variant interpretation guidelines (Richards et al. 2015 PMID: 25741868, with internal and published modifications).

NM_020911.2(PLXNA4):c.-10C>T

Gene: PLXNA4 (plexin A4; minus strand). Cytogenetic location: 7q32.3.
Variant type: single nucleotide variant.
Coding change: c.-10C>T on transcript NM_020911.2 (MANE Select); 10 bases upstream of the start codon, C replaced by T.
Molecular consequence: 5 prime UTR variant.
Genome position (GRCh38, 1-based): chr7:132,508,703, G>A on the plus strand (C>T on the coding strand, the complement: PLXNA4 is on the minus strand). VCF-style: chr7-132508703-G-A. GRCh37 (hg19) VCF-style: chr7-132193462-G-A.
Other names: c.-10C>T (NM_001105543.2, NM_001393897.1, NM_181775.4).
Identifiers: ClinVar variation 3046751 (VCV003046751.2), dbSNP rs761749437, ClinGen allele CA4490570.